The following is an entry in ClinVar:

ClinVar aggregate classification (germline): Uncertain significance. Review status: criteria provided, multiple submitters, no conflicts (2 of 4 stars). 2 submissions from 2 submitters: Uncertain significance (2). Last evaluated 2026-01-20.

Conditions:
Epidermolysis bullosa simplex, Ogna type (EBS5A). Also called: Pidermolysis bullosa simplex 5A, Ogna type; EPIDERMOLYSIS BULLOSA SIMPLEX 5A, OGNA TYPE. Identifiers: Orphanet 79401, MedGen C0432317, MONDO:0007555, OMIM 131950.
Epidermolysis bullosa simplex with nail dystrophy (EBS5D). Identifiers: MedGen C4225309, MONDO:0014661, OMIM 616487.
Epidermolysis bullosa simplex 5C, with pyloric atresia (EBS5C). Also called: PLEC-Related Epidermolysis Bullosa with Pyloric Atresia; Epidermolysis bullosa simplex with pyloric atresia; PLEC1-Related Epidermolysis Bullosa with Pyloric Atresia. Identifiers: Orphanet 158684, MedGen C2677349, MONDO:0012807, OMIM 612138.
Autosomal recessive limb-girdle muscular dystrophy type 2Q (LGMDR17). Also called: MUSCULAR DYSTROPHY, LIMB-GIRDLE, AUTOSOMAL RECESSIVE 17. Identifiers: Orphanet 254361, MedGen C3150989, MONDO:0013390, OMIM 613723.
Epidermolysis bullosa simplex 5B, with muscular dystrophy (EBS5B). Also called: EPIDERMOLYSIS BULLOSA SIMPLEX AND LIMB-GIRDLE MUSCULAR DYSTROPHY; Epidermolysis bullosa simplex with muscular dystrophy. Identifiers: Orphanet 257, MedGen C2931072, MONDO:0009181, OMIM 226670.
Inborn genetic diseases. Identifiers: MedGen C0950123, MeSH D030342.

Allele frequency attached by ClinVar (database versions not stated): gnomAD 0.00001; TOPMed 0.00001.
gnomAD v4.1: 2 of 1,573,570 alleles (0.00013%); highest among the groups gnomAD compares: Admixed American, 0.0017%; no homozygotes.

Submissions (2):

Ambry Genetics
Classification: Uncertain significance for Inborn genetic diseases. Last evaluated: 2026-01-20. Review status: criteria provided, single submitter. Criteria: Ambry Variant Classification Scheme 2023. Collection method: clinical testing. Allele origin: germline.

Labcorp Genetics (formerly Invitae), Labcorp
Classification: Uncertain significance for Autosomal recessive limb-girdle muscular dystrophy type 2Q; Epidermolysis bullosa simplex, Ogna type; Epidermolysis bullosa simplex with nail dystrophy; Epidermolysis bullosa simplex 5C, with pyloric atresia; Epidermolysis bullosa simplex 5B, with muscular dystrophy. Last evaluated: 2021-10-25. Review status: criteria provided, single submitter. Criteria: Invitae Variant Classification Sherloc (09022015). Collection method: clinical testing. Allele origin: germline.
Comment: In summary, the available evidence is currently insufficient to determine the role of this variant in disease. Therefore, it has been classified as a Variant of Uncertain Significance. Algorithms developed to predict the effect of missense changes on protein structure and function are either unavailable or do not agree on the potential impact of this missense change (SIFT: "Deleterious"; PolyPhen-2: "Not Available"; Align-GVGD: "Class C65"). This variant has not been reported in the literature in individuals affected with PLEC-related conditions. This variant is not present in population databases (ExAC no frequency). This sequence change replaces alanine with serine at codon 1572 of the PLEC protein (p.Ala1572Ser). The alanine residue is highly conserved and there is a moderate physicochemical difference between alanine and serine.

NM_201384.3(PLEC):c.4633G>T (p.Ala1545Ser)

Gene: PLEC (plectin; minus strand). Cytogenetic location: 8q24.3.
Variant type: single nucleotide variant.
Coding change: c.4633G>T on transcript NM_201384.3 (MANE Select); coding-DNA position 4633, G replaced by T.
Protein change: p.Ala1545Ser; replaces alanine 1545 with serine.
Molecular consequence: missense variant.
Genome position (GRCh38, 1-based): chr8:143,925,296, C>A on the plus strand (G>T on the coding strand, the complement: PLEC is on the minus strand). VCF-style: chr8-143925296-C-A. GRCh37 (hg19) VCF-style: chr8-144999464-C-A.
Other names: c.4714G>T, p.Ala1572Ser (NM_000445.5); c.4591G>T, p.Ala1531Ser (NM_201378.4); c.4567G>T, p.Ala1523Ser (NM_201379.3); c.5044G>T, p.Ala1682Ser (NM_201380.4); c.4537G>T, p.Ala1513Ser (NM_201381.3); c.4633G>T, p.Ala1545Ser (NM_201382.4); c.4645G>T, p.Ala1549Ser (NM_201383.3); c.4714G>T (NM_000445.3); short protein forms A1513S, A1682S, A1523S, A1545S, A1549S, A1531S, A1572S.
Identifiers: ClinVar variation 1504446 (VCV001504446.7), dbSNP rs924280766, ClinGen allele CA187616674.
Genomic context (GRCh38, chr8:143,925,296, plus strand): 5'-CCTGTACCTGCCGCGCTCGCTCCACCTCGGCCTGCCGCAGGCGCCGCTCCGCCTCCTCCG[C>A]CTGCAGCCGCAGCTCCTCCAGGGCCTGCAGGGCCCGCTGCTTCTCGCGCGCCGCCTCGGC-3'
Protein context (NP_958786.1, residues 1535-1555): LQALEELRLQ[Ala1545Ser]EEAERRLRQA